The following is an entry in ClinVar:

ClinVar aggregate classification (germline): Uncertain significance. Review status: criteria provided, multiple submitters, no conflicts (2 of 4 stars). 2 submissions from 2 submitters: Uncertain significance (2). Last evaluated 2022-11-24.

Conditions:
Cardiovascular phenotype. Identifiers: MedGen CN230736.
Progressive familial heart block type IB (PFHB1B). Identifiers: Orphanet 871, MedGen C1970298, MONDO:0011474, OMIM 604559.

gnomAD v4.1: 6 of 1,613,686 alleles (0.00037%); highest among the groups gnomAD compares: Admixed American, 0.0017%; no homozygotes.

Submissions (2):

Labcorp Genetics (formerly Invitae), Labcorp
Classification: Uncertain significance for Progressive familial heart block type IB. Last evaluated: 2022-11-24. Review status: criteria provided, single submitter. Criteria: Invitae Variant Classification Sherloc (09022015). Collection method: clinical testing. Allele origin: germline.
Comment: This sequence change falls in intron 19 of the TRPM4 gene. It does not directly change the encoded amino acid sequence of the TRPM4 protein. It affects a nucleotide within the consensus splice site. This variant is not present in population databases (gnomAD no frequency). This variant has not been reported in the literature in individuals affected with TRPM4-related conditions. Variants that disrupt the consensus splice site are a relatively common cause of aberrant splicing (PMID: 17576681, 9536098). Algorithms developed to predict the effect of sequence changes on RNA splicing suggest that this variant may create or strengthen a splice site. In summary, the available evidence is currently insufficient to determine the role of this variant in disease. Therefore, it has been classified as a Variant of Uncertain Significance.

Ambry Genetics
Classification: Uncertain significance for Cardiovascular phenotype. Last evaluated: 2021-06-25. Review status: criteria provided, single submitter. Criteria: Ambry Variant Classification Scheme 2023. Collection method: clinical testing. Allele origin: germline.
Comment: The c.2953+5G>A intronic variant results from a G to A substitution 5 nucleotides after coding exon 19 in the TRPM4 gene. This nucleotide position is well conserved in available vertebrate species. In silico splice site analysis for this alteration is inconclusive. Since supporting evidence is limited at this time, the clinical significance of this alteration remains unclear.

Literature cited by the submitters: PubMed 17576681 (cited by Labcorp Genetics (formerly Invitae), Labcorp); PubMed 9536098 (cited by Labcorp Genetics (formerly Invitae), Labcorp).

NM_017636.4(TRPM4):c.2953+5G>A

Gene: TRPM4 (transient receptor potential cation channel subfamily M member 4; plus strand). Cytogenetic location: 19q13.33.
Variant type: single nucleotide variant.
Coding change: c.2953+5G>A on transcript NM_017636.4 (MANE Select); 5 bases into the intron after coding-DNA position 2953, G replaced by A.
Molecular consequence: intron variant.
Genome position (GRCh38, 1-based): chr19:49,200,790, G>A. VCF-style: chr19-49200790-G-A. GRCh37 (hg19) VCF-style: chr19-49704047-G-A.
Other names: c.2518+5G>A (NM_001195227.2); c.1345+5G>A (NM_001321282.2); c.2608+5G>A (NM_001321281.2); c.2431+5G>A (NM_001321283.2); c.1891+5G>A (NM_001321285.2).
Identifiers: ClinVar variation 1798080 (VCV001798080.7), dbSNP rs200998908, ClinGen allele CA883077195.